The following is an entry in ClinVar:

NM_005076.5(CNTN2):c.1063C>T (p.Arg355Trp)

Gene: CNTN2 (contactin 2; plus strand). Cytogenetic location: 1q32.1.
Variant type: single nucleotide variant.
Coding change: c.1063C>T on transcript NM_005076.5 (MANE Select); coding-DNA position 1063, C replaced by T.
Protein change: p.Arg355Trp; replaces arginine 355 with tryptophan.
Molecular consequence: missense variant. On other transcripts: non-coding transcript variant (1).
Genome position (GRCh38, 1-based): chr1:205,061,954, C>T. VCF-style: chr1-205061954-C-T. GRCh37 (hg19) VCF-style: chr1-205031082-C-T.
Other names: c.1063C>T, p.Arg355Trp (NM_001346083.2); short protein forms R355W.
Identifiers: ClinVar variation 1976153 (VCV001976153.5), dbSNP rs1654004493, ClinGen allele CA344410429.

ClinVar aggregate classification (germline): Uncertain significance (1 of 4 stars; one submission).

Conditions:
Epilepsy, familial adult myoclonic, 5 (EPEO5). Also called: CORTICAL MYOCLONIC TREMOR WITH EPILEPSY, FAMILIAL, 5. Identifiers: Orphanet 86814, MedGen C3809374, MONDO:0014167, OMIM 615400.

Allele frequency attached by ClinVar (database versions not stated): gnomAD exomes below 0.00001; TOPMed below 0.00001; gnomAD 0.00001.
gnomAD v4.1: 5 of 1,611,514 alleles (0.00031%); highest among the groups gnomAD compares: South Asian, 0.0011%; no homozygotes.

Submission:

Labcorp Genetics (formerly Invitae), Labcorp
Classification: Uncertain significance for Epilepsy, familial adult myoclonic, 5. Last evaluated: 2022-02-09. Review status: criteria provided, single submitter. Criteria: Invitae Variant Classification Sherloc (09022015). Collection method: clinical testing. Allele origin: germline.
Comment: In summary, the available evidence is currently insufficient to determine the role of this variant in disease. Therefore, it has been classified as a Variant of Uncertain Significance. Advanced modeling of protein sequence and biophysical properties (such as structural, functional, and spatial information, amino acid conservation, physicochemical variation, residue mobility, and thermodynamic stability) performed at Invitae indicates that this missense variant is not expected to disrupt CNTN2 protein function. This variant has not been reported in the literature in individuals affected with CNTN2-related conditions. This variant is not present in population databases (gnomAD no frequency). This sequence change replaces arginine, which is basic and polar, with tryptophan, which is neutral and slightly polar, at codon 355 of the CNTN2 protein (p.Arg355Trp).